The following is an entry in ClinVar:

NM_000059.4(BRCA2):c.2772_2775del (p.Asn924fs)

Gene: BRCA2 (BRCA2 DNA repair associated; plus strand). Cytogenetic location: 13q13.1.
Variant type: Deletion.
Coding change: c.2772_2775del on transcript NM_000059.4 (MANE Select); coding-DNA positions 2772 to 2775, 4 bases deleted (CTCT; older notation c.2772_2775delCTCT).
Protein change: p.Asn924fs; shifts the reading frame from asparagine 924.
Molecular consequence: frameshift variant.
Genome position (GRCh38, 1-based): chr13:32,337,127-32,337,130, CTCT deleted. VCF-style (leftmost placement, unchanged base first): chr13-32337126-ACTCT-A. GRCh37 (hg19) VCF-style: chr13-32911263-ACTCT-A.
Other names: c.2772_2775delCTCT, p.Asn924Lysfs (NM_001406719.1, NM_001406720.1); short protein forms N924fs.
Identifiers: ClinVar variation 1795819 (VCV001795819.2), dbSNP rs2548524626, ClinGen allele CA2580087298.
Genomic context (GRCh38, chr13:32,337,126, plus strand): 5'-GAAATACTAAGGAACTTCATGAAACAGACTTGACTTGTGTAAACGAACCCATTTTCAAGA[ACTCT>A]ACCATGGTTTTATATGGAGACACAGGTGATAAACAAGCAACCCAAGTGTCAATTAAAAAA-3'

ClinVar aggregate classification (germline): Pathogenic (1 of 4 stars; one submission).

Conditions:
Hereditary cancer-predisposing syndrome. Also called: Tumor predisposition; Hereditary Cancer Syndrome; Neoplastic Syndromes, Hereditary; Hereditary neoplastic syndrome. Identifiers: Orphanet 140162, MedGen C0027672, MeSH D009386, MONDO:0015356.

Submission:

Ambry Genetics
Classification: Pathogenic for Hereditary cancer-predisposing syndrome. Last evaluated: 2017-10-24. Review status: criteria provided, single submitter. Criteria: Ambry Variant Classification Scheme 2023. Collection method: clinical testing. Allele origin: germline.
Comment: The c.2772_2775delCTCT pathogenic mutation, located in coding exon 10 of the BRCA2 gene, results from a deletion of 4 nucleotides at nucleotide positions 2772 to 2775, causing a translational frameshift with a predicted alternate stop codon (p.N924Kfs*35). This alteration is expected to result in loss of function by premature protein truncation or nonsense-mediated mRNA decay. As such, this alteration is interpreted as a disease-causing mutation.